The following is an entry in ClinVar:

NM_000059.4(BRCA2):c.7429C>T (p.Pro2477Ser)

Gene: BRCA2 (BRCA2 DNA repair associated; plus strand). Cytogenetic location: 13q13.1.
Variant type: single nucleotide variant.
Coding change: c.7429C>T on transcript NM_000059.4 (MANE Select); coding-DNA position 7429, C replaced by T.
Protein change: p.Pro2477Ser; replaces proline 2477 with serine.
Molecular consequence: missense variant.
Genome position (GRCh38, 1-based): chr13:32,355,282, C>T. VCF-style: chr13-32355282-C-T. GRCh37 (hg19) VCF-style: chr13-32929419-C-T.
Other names: short protein forms P2477S.
Identifiers: ClinVar variation 52325 (VCV000052325.17), dbSNP rs80358964, ClinGen allele CA025076.

ClinVar aggregate classification (germline): Uncertain significance. Review status: criteria provided, multiple submitters, no conflicts (2 of 4 stars). 5 submissions from 5 submitters: Uncertain significance (4). 1 of the submissions does not count toward it. Last evaluated 2024-11-24.

Conditions:
Hereditary breast ovarian cancer syndrome. Also called: Hereditary breast and ovarian cancer syndrome; Hereditary breast and ovarian cancer; Hereditary breast and ovarian cancer syndrome (HBOC); Breast and ovarian cancer; Hereditary breast and/or ovarian cancer syndrome; BRCA1- and BRCA2-Associated Hereditary Breast and Ovarian Cancer. Identifiers: Orphanet 145, MedGen C0677776, MeSH D061325, MONDO:0003582. Disease mechanism: loss of function.
Familial cancer of breast. Also called: BREAST CANCER, FAMILIAL; Hereditary breast cancer; hereditary breast carcinoma. Identifiers: Orphanet 227535, MedGen C0346153, MONDO:0016419, OMIM 114480. Disease mechanism: loss of function.
Hereditary cancer-predisposing syndrome. Also called: Neoplastic Syndromes, Hereditary; Tumor predisposition; Hereditary neoplastic syndrome; Hereditary Cancer Syndrome. Identifiers: Orphanet 140162, MedGen C0027672, MeSH D009386, MONDO:0015356.
Breast-ovarian cancer, familial, susceptibility to, 2 (BROVCA2). Also called: BRCA2 Hereditary Breast and Ovarian Cancer. Identifiers: Orphanet 145, MedGen C2675520, MONDO:0012933, OMIM 612555. Disease mechanism: loss of function.

Submissions (5):

Labcorp Genetics (formerly Invitae), Labcorp
Classification: Uncertain significance for Hereditary breast ovarian cancer syndrome. Last evaluated: 2024-11-24. Review status: criteria provided, single submitter. Criteria: Invitae Variant Classification Sherloc (09022015). Collection method: clinical testing. Allele origin: germline.
Comment: This sequence change replaces proline, which is neutral and non-polar, with serine, which is neutral and polar, at codon 2477 of the BRCA2 protein (p.Pro2477Ser). This variant is not present in population databases (gnomAD no frequency). This variant has not been reported in the literature in individuals affected with BRCA2-related conditions. ClinVar contains an entry for this variant (Variation ID: 52325). Invitae Evidence Modeling of protein sequence and biophysical properties (such as structural, functional, and spatial information, amino acid conservation, physicochemical variation, residue mobility, and thermodynamic stability) indicates that this missense variant is not expected to disrupt BRCA2 protein function with a negative predictive value of 95%. In summary, the available evidence is currently insufficient to determine the role of this variant in disease. Therefore, it has been classified as a Variant of Uncertain Significance.

Color Diagnostics, LLC DBA Color Health
Classification: Uncertain significance for Hereditary cancer-predisposing syndrome. Last evaluated: 2024-08-28. Review status: criteria provided, single submitter. Criteria: ACMG Guidelines, 2015. Collection method: clinical testing. Allele origin: germline.
Comment: This missense variant replaces proline with serine at codon 2477 of the BRCA2 protein. Computational prediction suggests that this variant may not impact protein structure and function. To our knowledge, functional studies have not been reported for this variant. This variant has been reported in a multifactorial analysis with co-occurrence and family history likelihood ratios for pathogenicity of 1.0498 and 1.0826, respectively (PMID: 31131967). This variant has not been identified in the general population by the Genome Aggregation Database (gnomAD). The available evidence is insufficient to determine the role of this variant in disease conclusively. Therefore, this variant is classified as a Variant of Uncertain Significance.

Baylor Genetics
Classification: Uncertain significance for Familial cancer of breast. Last evaluated: 2023-08-15. Review status: criteria provided, single submitter. Criteria: ACMG Guidelines, 2015. Collection method: clinical testing. Allele origin: unknown.

Ambry Genetics
Classification: Uncertain significance for Hereditary cancer-predisposing syndrome. Last evaluated: 2023-07-03. Review status: criteria provided, single submitter. Criteria: Ambry Variant Classification Scheme 2023. Collection method: clinical testing. Allele origin: germline.
Comment: The p.P2477S variant (also known as c.7429C>T), located in coding exon 13 of the BRCA2 gene, results from a C to T substitution at nucleotide position 7429. The proline at codon 2477 is replaced by serine, an amino acid with similar properties. This amino acid position is not well conserved in available vertebrate species. In addition, this alteration is predicted to be tolerated by in silico analysis. Since supporting evidence is limited at this time, the clinical significance of this alteration remains unclear.

Breast Cancer Information Core (BIC) (BRCA2)
Classification: Uncertain significance for Breast-ovarian cancer, familial 2. Last evaluated: 2002-05-29. Review status: no assertion criteria provided. Collection method: clinical testing. Allele origin: germline. Affected: yes. Observed: 2 variant alleles. Not counted in ClinVar's aggregate classification.

Literature cited by the submitters: PubMed 31131967 (cited by Color Diagnostics, LLC DBA Color Health).